The following is an entry in ClinVar:

NM_015100.4(POGZ):c.1949A>G (p.Asn650Ser)

Gene: POGZ (pogo transposable element derived with ZNF domain; minus strand). Cytogenetic location: 1q21.3.
Variant type: single nucleotide variant.
Coding change: c.1949A>G on transcript NM_015100.4 (MANE Select); coding-DNA position 1949, A replaced by G.
Protein change: p.Asn650Ser; replaces asparagine 650 with serine.
Molecular consequence: missense variant.
Genome position (GRCh38, 1-based): chr1:151,408,806, T>C on the plus strand (A>G on the coding strand, the complement: POGZ is on the minus strand). VCF-style: chr1-151408806-T-C. GRCh37 (hg19) VCF-style: chr1-151381282-T-C.
Other names: c.1922A>G, p.Asn641Ser (NM_001194937.2); c.1763A>G, p.Asn588Ser (NM_001194938.2); c.1970A>G, p.Asn657Ser (NM_001410860.1); c.1664A>G, p.Asn555Ser (NM_145796.4); c.1790A>G, p.Asn597Ser (NM_207171.2); short protein forms N555S, N588S, N597S, N641S, N650S, N657S.
Identifiers: ClinVar variation 4687478 (VCV004687478.2).
Genomic context (GRCh38, chr1:151,408,806, plus strand): 5'-TGGTGTTGAAGCTTGTGTTCAATTTTGTCCTTGGCAAAGAGAAACTGCAGCCGGCATTTG[T>C]TGCAGTGATAAACATTTCTCTTCTGAAGTGGGGGAGGGAAAAAAAGAGACAAAATCCCTT-3'
Protein context (NP_055915.2, residues 640-660): RHQKRNVYHC[Asn650Ser]KCRLQFLFAK

ClinVar aggregate classification (germline): Uncertain significance. Review status: criteria provided, multiple submitters, no conflicts (2 of 4 stars). 2 submissions from 2 submitters: Uncertain significance (2). Last evaluated 2025-10-07.

gnomAD v4.1: 1 of 1,613,684 alleles (0.000062%); no homozygotes.

Submissions (2):

Women's Health and Genetics/Laboratory Corporation of America, LabCorp
Classification: Uncertain significance. Last evaluated: 2025-10-07. Review status: criteria provided, single submitter. Criteria: LabCorp Variant Classification Summary - May 2015. Collection method: clinical testing. Allele origin: germline.
Comment: Variant summary: POGZ c.1949A>G (p.Asn650Ser) results in a conservative amino acid change in the encoded protein sequence. Algorithms developed to predict the effect of missense changes on protein structure and function are either unavailable or do not agree on the potential impact of this missense change. The variant was absent in 251398 control chromosomes. The available data on variant occurrences in the general population are insufficient to allow any conclusion about variant significance. To our knowledge, no occurrence of c.1949A>G in individuals affected with POGZ-related conditions and no experimental evidence demonstrating its impact on protein function have been reported. No submitters have cited clinical-significance assessments for this variant to ClinVar. Based on the evidence outlined above, the variant was classified as uncertain significance.

Blueprint Genetics
Classification: Uncertain significance. Last evaluated: 2024-05-27. Review status: criteria provided, single submitter. Criteria: ACMG Guidelines, 2015. Collection method: clinical testing. Allele origin: germline.